The following is an entry in ClinVar:

ClinVar aggregate classification (germline): Uncertain significance. Review status: criteria provided, multiple submitters, no conflicts (2 of 4 stars). 3 submissions from 3 submitters: Uncertain significance (3). Last evaluated 2025-06-18.

Conditions:
Neurofibromatosis, type 1 (NF1). Also called: Peripheral type neurofibromatosis; VON RECKLINGHAUSEN DISEASE; Neurofibromatosis, type I; NEUROFIBROMATOSIS, TYPE I, SOMATIC. Identifiers: Orphanet 636, MedGen C0027831, MONDO:0018975, OMIM 162200. Disease mechanism: loss of function.

Allele frequency attached by ClinVar (database versions not stated): gnomAD exomes below 0.00001.

Submissions (3):

Labcorp Genetics (formerly Invitae), Labcorp
Classification: Uncertain significance for Neurofibromatosis, type 1. Last evaluated: 2025-06-18. Review status: criteria provided, single submitter. Criteria: Invitae Variant Classification Sherloc (09022015). Collection method: clinical testing. Allele origin: germline.
Comment: This sequence change replaces glutamic acid, which is acidic and polar, with lysine, which is basic and polar, at codon 1320 of the NF1 protein (p.Glu1320Lys). This variant is present in population databases (no rsID available, gnomAD 0.004%). This variant has not been reported in the literature in individuals affected with NF1-related conditions. ClinVar contains an entry for this variant (Variation ID: 569700). Invitae Evidence Modeling of protein sequence and biophysical properties (such as structural, functional, and spatial information, amino acid conservation, physicochemical variation, residue mobility, and thermodynamic stability) indicates that this missense variant is expected to disrupt NF1 protein function with a positive predictive value of 95%. In summary, the available evidence is currently insufficient to determine the role of this variant in disease. Therefore, it has been classified as a Variant of Uncertain Significance.

Genome-Nilou Lab
Classification: Uncertain significance for Neurofibromatosis, type 1. Last evaluated: 2022-03-15. Review status: criteria provided, single submitter. Criteria: ACMG Guidelines, 2015. Collection method: clinical testing. Allele origin: germline. Affected: no.

Centre for Mendelian Genomics, University Medical Centre Ljubljana
Classification: Uncertain significance for Neurofibromatosis, type 1. Last evaluated: 2019-09-24. Review status: criteria provided, single submitter. Criteria: ACMG Guidelines, 2015. Collection method: clinical testing. Allele origin: unknown. Affected: yes.
Comment: This variant was classified as: Uncertain significance. The available evidence favors the pathogenic nature of this variant, however the currently available data is insufficient to conclusively support its pathogenic nature. Thus this variant is classified as Uncertain significance - favor pathogenic. The following ACMG criteria were applied in classifying this variant: PP3,PP4.

NM_001042492.3(NF1):c.3958G>A (p.Glu1320Lys)

Gene: NF1 (neurofibromin 1; plus strand). Cytogenetic location: 17q11.2.
Variant type: single nucleotide variant.
Coding change: c.3958G>A on transcript NM_001042492.3 (MANE Select); coding-DNA position 3958, G replaced by A.
Protein change: p.Glu1320Lys; replaces glutamic acid 1320 with lysine.
Molecular consequence: missense variant.
Genome position (GRCh38, 1-based): chr17:31,236,005, G>A. VCF-style: chr17-31236005-G-A. GRCh37 (hg19) VCF-style: chr17-29563023-G-A.
Other names: c.3958G>A, p.Glu1320Lys (NM_000267.4); short protein forms E1320K.
Identifiers: ClinVar variation 569700 (VCV000569700.9), dbSNP rs1273280025, ClinGen allele CA398993297.